The following is an entry in ClinVar:

ClinVar aggregate classification (germline): Pathogenic (1 of 4 stars; one submission).

Conditions:
3-methylcrotonyl-CoA carboxylase 2 deficiency. Also called: METHYLCROTONYLGLYCINURIA, TYPE II; 3 alpha methylcrotonyl-CoA carboxylase 2 deficiency; 3 alpha methylcrotonylglycinuria 2; MCC 2 deficiency; Methylcrotonylglycinuria type 2. Identifiers: Orphanet 6, MedGen C1859499, MONDO:0008862, OMIM 210210.

Submission:

Myriad Genetics, Inc.
Classification: Pathogenic for 3-methylcrotonyl-CoA carboxylase 2 deficiency. Last evaluated: 2025-02-27. Review status: criteria provided, single submitter. Criteria: Myriad Autosomal Dominant, Autosomal Recessive and X-Linked Classification Criteria (2023). Collection method: clinical testing. Allele origin: unknown.
Comment: NM_022132.4(MCCC2):c.388G>T(E130*) is expected to be pathogenic in the context of 3-methylcrotonyl-CoA carboxylase deficiency, MCCC2-related. This variant is predicted to lead to an abnormal or absent protein product due to the creation of a premature termination codon in MCCC2, a gene where loss-of-function variants are known to be pathogenic. Please note: this variant was assessed in the context of healthy population screening.

NM_022132.5(MCCC2):c.388G>T (p.Glu130Ter)

Gene: MCCC2 (methylcrotonyl-CoA carboxylase subunit 2; plus strand). Cytogenetic location: 5q13.2.
Variant type: single nucleotide variant.
Coding change: c.388G>T on transcript NM_022132.5 (MANE Select); coding-DNA position 388, G replaced by T.
Protein change: p.Glu130Ter; replaces glutamic acid 130 with a stop codon.
Molecular consequence: nonsense.
Genome position (GRCh38, 1-based): chr5:71,602,510, G>T. VCF-style: chr5-71602510-G-T. GRCh37 (hg19) VCF-style: chr5-70898337-G-T.
Other names: c.388G>T, p.Glu130Ter (NM_001363147.1); short protein forms E130*.
Identifiers: ClinVar variation 5014145 (VCV005014145.1).
Genomic context (GRCh38, chr5:71,602,510, plus strand): 5'-ATTAGTTTTGAAGAAATCTCTTAAATTCTCTCTCCAATGAAATTTCTGCCTTTCAGAGTA[G>T]AATGCATGATTATTGCCAATGATGCCACCGTCAAAGGAGGTGCCTACTACCCAGTGACTG-3'